The following is an entry in ClinVar:

ClinVar aggregate classification (germline): Uncertain significance. Review status: criteria provided, multiple submitters, no conflicts (2 of 4 stars). 2 submissions from 2 submitters: Uncertain significance (2). Last evaluated 2026-05-04.

gnomAD v4.1: 211 of 1,613,184 alleles (0.013%); highest among the groups gnomAD compares: Non-Finnish European, 0.017%; no homozygotes.

Submissions (2):

Women's Health and Genetics/Laboratory Corporation of America, LabCorp
Classification: Uncertain significance. Last evaluated: 2026-05-04. Review status: criteria provided, single submitter. Criteria: LabCorp Variant Classification Summary - May 2015. Collection method: clinical testing. Allele origin: germline.
Comment: Variant summary: FAT2 c.9771C>A (p.Ser3257Arg) results in a non-conservative amino acid change in the encoded protein sequence. Algorithms developed to predict the effect of missense changes on protein structure and function are either unavailable or do not agree on the potential impact of this missense change. The variant allele was found at a frequency of 3.6e-05 in 248936 control chromosomes. The available data on variant occurrences in the general population are insufficient to allow any conclusion about variant significance. To our knowledge, no occurrence of c.9771C>A in individuals affected with FAT2-related conditions and no experimental evidence demonstrating its impact on protein function have been reported. ClinVar contains an entry for this variant (Variation ID: 3848987). Based on the evidence outlined above, the variant was classified as uncertain significance.

Ambry Genetics
Classification: Uncertain significance. Last evaluated: 2024-12-28. Review status: criteria provided, single submitter. Criteria: Ambry Variant Classification Scheme 2023. Collection method: clinical testing. Allele origin: germline.

NM_001447.3(FAT2):c.9771C>A (p.Ser3257Arg)

Genes: FAT2 (FAT atypical cadherin 2; minus strand), SLC36A1 (solute carrier family 36 member 1; plus strand). Cytogenetic location: 5q33.1.
Variant type: single nucleotide variant.
Coding change: c.9771C>A on transcript NM_001447.3 (MANE Select); coding-DNA position 9771, C replaced by A.
Protein change: p.Ser3257Arg; replaces serine 3257 with arginine.
Molecular consequence: missense variant.
Genome position (GRCh38, 1-based): chr5:151,531,627, G>T on the plus strand (C>A on the coding strand, the complement: FAT2 is on the minus strand). VCF-style: chr5-151531627-G-T. GRCh37 (hg19) VCF-style: chr5-150911188-G-T.
Other names: short protein forms S3257R.
Identifiers: ClinVar variation 3848987 (VCV003848987.2).